The following is an entry in ClinVar:

NM_000297.4(PKD2):c.1126G>A (p.Gly376Ser)

Gene: PKD2 (polycystin 2, transient receptor potential cation channel; plus strand). Cytogenetic location: 4q22.1.
Variant type: single nucleotide variant.
Coding change: c.1126G>A on transcript NM_000297.4 (MANE Select); coding-DNA position 1126, G replaced by A.
Protein change: p.Gly376Ser; replaces glycine 376 with serine.
Molecular consequence: missense variant. On other transcripts: non-coding transcript variant (1).
Genome position (GRCh38, 1-based): chr4:88,043,264, G>A. VCF-style: chr4-88043264-G-A. GRCh37 (hg19) VCF-style: chr4-88964416-G-A.
Other names: c.1126G>A (NM_000297.3); short protein forms G376S.
Identifiers: ClinVar variation 2062363 (VCV002062363.5), dbSNP rs2475915443, ClinGen allele CA357615456.
Genomic context (GRCh38, chr4:88,043,264, plus strand): 5'-GTTTGTTTTTTGGTTTTGTTTTTAATCAGTTGGATCTACACAAGTGAAAAAGACTTGAAT[G>A]GTAGTAGCCACTGGGGAATCATTGCAACTTATAGTGGAGCTGGCTATTATCTGGATTTGT-3'
Protein context (NP_000288.1, residues 366-386): WIYTSEKDLN[Gly376Ser]SSHWGIIATY

ClinVar aggregate classification (germline): Uncertain significance. Review status: criteria provided, multiple submitters, no conflicts (2 of 4 stars). 2 submissions from 2 submitters: Uncertain significance (2). Last evaluated 2024-10-14.

Conditions:
Autosomal dominant polycystic kidney disease. Identifiers: Orphanet 730, MedGen C0085413, MONDO:0004691.

Submissions (2):

GeneDx
Classification: Uncertain significance. Last evaluated: 2024-10-14. Review status: criteria provided, single submitter. Criteria: GeneDx Variant Classification Process June 2021. Collection method: clinical testing. Allele origin: germline. Affected: yes.
Comment: Not observed at significant frequency in large population cohorts (gnomAD); In silico analysis supports that this missense variant has a deleterious effect on protein structure/function; Has not been previously published as pathogenic or benign to our knowledge

Labcorp Genetics (formerly Invitae), Labcorp
Classification: Uncertain significance for Autosomal dominant polycystic kidney disease. Last evaluated: 2021-12-27. Review status: criteria provided, single submitter. Criteria: Invitae Variant Classification Sherloc (09022015). Collection method: clinical testing. Allele origin: germline.
Comment: In summary, the available evidence is currently insufficient to determine the role of this variant in disease. Therefore, it has been classified as a Variant of Uncertain Significance. Algorithms developed to predict the effect of missense changes on protein structure and function are either unavailable or do not agree on the potential impact of this missense change (SIFT: "Tolerated"; PolyPhen-2: "Possibly Damaging"; Align-GVGD: "Class C0"). This variant has not been reported in the literature in individuals affected with PKD2-related conditions. This variant is not present in population databases (gnomAD no frequency). This sequence change replaces glycine, which is neutral and non-polar, with serine, which is neutral and polar, at codon 376 of the PKD2 protein (p.Gly376Ser).